The following is an entry in ClinVar:

NM_003482.4(KMT2D):c.14360_14361del (p.Thr4787fs)

Gene: KMT2D (lysine methyltransferase 2D; minus strand). Cytogenetic location: 12q13.12.
Variant type: Microsatellite.
Coding change: c.14360_14361del on transcript NM_003482.4 (MANE Select); coding-DNA positions 14360 to 14361, 2 bases deleted (CA; older notation c.14360_14361delCA).
Protein change: p.Thr4787fs; shifts the reading frame from threonine 4787.
Molecular consequence: frameshift variant.
Genome position (GRCh38, 1-based): chr12:49,028,849-49,028,850, TG deleted on the plus strand (CA on the coding strand, the reverse complement: KMT2D is on the minus strand); deleting any 2 consecutive bases within chr12:49,028,849-49,028,852 gives the same sequence; the c. name uses the placement nearest the transcript's 3' end. VCF-style (leftmost placement, unchanged base first): chr12-49028848-CTG-C. GRCh37 (hg19) VCF-style: chr12-49422631-CTG-C.
Other names: c.14360_14361delCA (NM_003482.3); short protein forms T4787fs.
Identifiers: ClinVar variation 463008 (VCV000463008.6), dbSNP rs1555186436, ClinGen allele CA645594466.
Genomic context (GRCh38, chr12:49,028,848, plus strand): 5'-ATCAGGTTCCCCTCAGCCTCGAGGTACCCCTAGGACACACCTTGGCTGCAGCAGCAGAGA[CTG>C]TGAGCATGACTGACACCTCACTTCCTTTGCCCTTTTCCCAAGTTGTGACAGGCAGCTTTC-3'

ClinVar aggregate classification (germline): Pathogenic (1 of 4 stars; one submission).

Conditions:
Kabuki syndrome. Also called: Kabuki make-up syndrome; NIIKAWA-KUROKI SYNDROME. Identifiers: Orphanet 2322, MedGen C0796004, MONDO:0016512.

Submission:

Labcorp Genetics (formerly Invitae), Labcorp
Classification: Pathogenic for Kabuki syndrome. Last evaluated: 2017-03-25. Review status: criteria provided, single submitter. Criteria: Invitae Variant Classification Sherloc (09022015). Collection method: clinical testing. Allele origin: germline.
Comment: For these reasons, this variant has been classified as Pathogenic. While this particular variant has not been reported in the literature, loss-of-function variants in KMT2D are known to be pathogenic (PMID: 24633898, 22126750). This sequence change deletes 2 nucleotides from exon 45 of the KMT2D mRNA (c.14360_14361delCA), causing a frameshift at codon 4787. This creates a premature translational stop signal (p.Thr4787Serfs*29) and is expected to result in an absent or disrupted protein product.

Literature cited by the submitters: PubMed 24633898; PubMed 22126750.